The following is an entry in ClinVar:

NM_032043.3(BRIP1):c.575C>A (p.Thr192Asn)

Gene: BRIP1 (BRCA1 interacting DNA helicase 1; minus strand). Cytogenetic location: 17q23.2.
Variant type: single nucleotide variant.
Coding change: c.575C>A on transcript NM_032043.3 (MANE Select); coding-DNA position 575, C replaced by A.
Protein change: p.Thr192Asn; replaces threonine 192 with asparagine.
Molecular consequence: missense variant.
Genome position (GRCh38, 1-based): chr17:61,847,153, G>T on the plus strand (C>A on the coding strand, the complement: BRIP1 is on the minus strand). VCF-style: chr17-61847153-G-T. GRCh37 (hg19) VCF-style: chr17-59924514-G-T.
Other names: short protein forms T192N.
Identifiers: ClinVar variation 481629 (VCV000481629.18), dbSNP rs1429063662, ClinGen allele CA400483034.

ClinVar aggregate classification (germline): Uncertain significance. Review status: criteria provided, multiple submitters, no conflicts (2 of 4 stars). 6 submissions from 6 submitters: Uncertain significance (6). Last evaluated 2025-11-05.

Conditions:
Hereditary cancer-predisposing syndrome. Also called: Hereditary neoplastic syndrome; Neoplastic Syndromes, Hereditary; Tumor predisposition; Hereditary Cancer Syndrome. Identifiers: Orphanet 140162, MedGen C0027672, MeSH D009386, MONDO:0015356.
Fanconi anemia complementation group J. Also called: BRIP1-Related Fanconi Anemia. Identifiers: Orphanet 84, MedGen C1836860, MONDO:0012187, OMIM 609054.
Familial cancer of breast. Also called: BREAST CANCER, FAMILIAL; Hereditary breast cancer; hereditary breast carcinoma. Identifiers: Orphanet 227535, MedGen C0346153, MONDO:0016419, OMIM 114480. Disease mechanism: loss of function.

Allele frequency attached by ClinVar (database versions not stated): gnomAD exomes below 0.00001.
gnomAD v4.1: 2 of 1,613,622 alleles (0.00012%); highest among the groups gnomAD compares: Admixed American, 0.0033%; no homozygotes.

Submissions (6):

Labcorp Genetics (formerly Invitae), Labcorp
Classification: Uncertain significance for Familial cancer of breast; Fanconi anemia complementation group J. Last evaluated: 2025-11-05. Review status: criteria provided, single submitter. Criteria: Invitae Variant Classification Sherloc (09022015). Collection method: clinical testing. Allele origin: germline.
Comment: This sequence change replaces threonine, which is neutral and polar, with asparagine, which is neutral and polar, at codon 192 of the BRIP1 protein (p.Thr192Asn). This variant is present in population databases (no rsID available, gnomAD 0.003%). This variant has not been reported in the literature in individuals affected with BRIP1-related conditions. ClinVar contains an entry for this variant (Variation ID: 481629). Invitae Evidence Modeling of protein sequence and biophysical properties (such as structural, functional, and spatial information, amino acid conservation, physicochemical variation, residue mobility, and thermodynamic stability) indicates that this missense variant is not expected to disrupt BRIP1 protein function with a negative predictive value of 95%. In summary, the available evidence is currently insufficient to determine the role of this variant in disease. Therefore, it has been classified as a Variant of Uncertain Significance.

Ambry Genetics
Classification: Uncertain significance for Hereditary cancer-predisposing syndrome. Last evaluated: 2024-10-29. Review status: criteria provided, single submitter. Criteria: Ambry Variant Classification Scheme 2023. Collection method: clinical testing. Allele origin: germline.
Comment: The p.T192N variant (also known as c.575C>A), located in coding exon 5 of the BRIP1 gene, results from a C to A substitution at nucleotide position 575. The threonine at codon 192 is replaced by asparagine, an amino acid with similar properties. This amino acid position is not well conserved in available vertebrate species. In addition, this alteration is predicted to be tolerated by in silico analysis. Since supporting evidence is limited at this time, the clinical significance of this alteration remains unclear.

Color Diagnostics, LLC DBA Color Health
Classification: Uncertain significance for Hereditary cancer-predisposing syndrome. Last evaluated: 2024-03-06. Review status: criteria provided, single submitter. Criteria: ACMG Guidelines, 2015. Collection method: clinical testing. Allele origin: germline.
Comment: This missense variant replaces threonine with asparagine at codon 192 of the BRIP1 protein. Computational prediction suggests that this variant may not impact protein structure and function (internally defined REVEL score threshold <= 0.5, PMID: 27666373). To our knowledge, functional studies have not been reported for this variant. This variant has not been reported in individuals affected with hereditary cancer in the literature. This variant has been identified in 1/251342 chromosomes in the general population by the Genome Aggregation Database (gnomAD). The available evidence is insufficient to determine the role of this variant in disease conclusively. Therefore, this variant is classified as a Variant of Uncertain Significance.

Fulgent Genetics
Classification: Uncertain significance for Familial cancer of breast; Fanconi anemia complementation group J. Last evaluated: 2024-01-03. Review status: criteria provided, single submitter. Criteria: ACMG Guidelines, 2015. Collection method: clinical testing. Allele origin: germline.

Quest Diagnostics Nichols Institute San Juan Capistrano
Classification: Uncertain significance. Last evaluated: 2023-07-19. Review status: criteria provided, single submitter. Criteria: Quest Diagnostics criteria. Collection method: clinical testing. Allele origin: unknown.
Comment: This variant has not been reported in the published literature. The frequency of this variant in the general population, 0.000004 (1/251342 chromosomes (Genome Aggregation Database)), is uninformative in the assessment of its pathogenicity. Analysis of this variant using bioinformatics tools for the prediction of the effect of amino acid changes on protein structure and function yielded predictions that this variant is benign. Based on the available information, we are unable to determine the clinical significance of this variant.

GeneDx
Classification: Uncertain significance. Last evaluated: 2022-04-15. Review status: criteria provided, single submitter. Criteria: GeneDx Variant Classification Process June 2021. Collection method: clinical testing. Allele origin: germline. Affected: yes.
Comment: Not observed at significant frequency in large population cohorts (gnomAD); In silico analysis supports that this missense variant does not alter protein structure/function; Has not been previously published as pathogenic or benign to our knowledge